The following is an entry in ClinVar:

ClinVar aggregate classification (germline): Uncertain significance. Review status: criteria provided, multiple submitters, no conflicts (2 of 4 stars). 2 submissions from 2 submitters: Uncertain significance (2). Last evaluated 2025-12-08.

Allele frequency attached by ClinVar (database versions not stated): gnomAD 0.00002; ExAC 0.00004; gnomAD exomes 0.00004.

Submissions (2):

Labcorp Genetics (formerly Invitae), Labcorp
Classification: Uncertain significance. Last evaluated: 2025-12-08. Review status: criteria provided, single submitter. Criteria: Invitae Variant Classification Sherloc (09022015). Collection method: clinical testing. Allele origin: germline.
Comment: This sequence change replaces alanine, which is neutral and non-polar, with proline, which is neutral and non-polar, at codon 113 of the KLF10 protein (p.Ala113Pro). This variant is present in population databases (rs768677276, gnomAD 0.008%). This variant has not been reported in the literature in individuals affected with KLF10-related conditions. ClinVar contains an entry for this variant (Variation ID: 1405417). An algorithm developed to predict the effect of missense changes on protein structure and function (PolyPhen-2) suggests that this variant is likely to be tolerated. In summary, the available evidence is currently insufficient to determine the role of this variant in disease. Therefore, it has been classified as a Variant of Uncertain Significance.

Ambry Genetics
Classification: Uncertain significance. Last evaluated: 2025-01-19. Review status: criteria provided, single submitter. Criteria: Ambry Variant Classification Scheme 2023. Collection method: clinical testing. Allele origin: germline.

NM_005655.4(KLF10):c.337G>C (p.Ala113Pro)

Gene: KLF10 (KLF transcription factor 10; minus strand). Cytogenetic location: 8q22.3.
Variant type: single nucleotide variant.
Coding change: c.337G>C on transcript NM_005655.4 (MANE Select); coding-DNA position 337, G replaced by C.
Protein change: p.Ala113Pro; replaces alanine 113 with proline.
Molecular consequence: missense variant.
Genome position (GRCh38, 1-based): chr8:102,651,995, C>G on the plus strand (G>C on the coding strand, the complement: KLF10 is on the minus strand). VCF-style: chr8-102651995-C-G. GRCh37 (hg19) VCF-style: chr8-103664223-C-G.
Other names: c.337G>C (NM_005655.2); c.304G>C, p.Ala102Pro (NM_001032282.4); short protein forms A102P, A113P.
Identifiers: ClinVar variation 1405417 (VCV001405417.10), dbSNP rs768677276, ClinGen allele CA4833625.
Genomic context (GRCh38, chr8:102,651,995, plus strand): 5'-GTGCGGCAATGTGAGGTTTGGCAGTATCTGAGAGTGACTTGAAGTGTACAGTAGATGGCG[C>G]TGGTGCCATCAGATTTGACACTTGAGAGGGTTCAAAGTCAGAAGGACTGTAAGGTGGAGT-3'
Protein context (NP_005646.1, residues 103-123): PSQVSNLMAP[Ala113Pro]PSTVHFKSLS